The following is an entry in ClinVar:

NM_033337.3(CAV3):c.263G>A (p.Trp88Ter)

Genes: CAV3 (caveolin 3; plus strand), OXTR (oxytocin receptor; minus strand). Cytogenetic location: 3p25.3.
Variant type: single nucleotide variant.
Coding change: c.263G>A on transcript NM_033337.3 (MANE Select); coding-DNA position 263, G replaced by A.
Protein change: p.Trp88Ter; replaces tryptophan 88 with a stop codon.
Molecular consequence: nonsense.
Genome position (GRCh38, 1-based): chr3:8,745,674, G>A. VCF-style: chr3-8745674-G-A. GRCh37 (hg19) VCF-style: chr3-8787360-G-A.
Other names: c.263G>A, p.Trp88Ter (NM_001234.5); short protein forms W88*.
Identifiers: ClinVar variation 2860549 (VCV002860549.3), dbSNP rs2470062381, ClinGen allele CA351663391.
Genomic context (GRCh38, chr3:8,745,674, plus strand): 5'-CCAAGTACTGGTGCTACCGTCTGTTGTCCACGCTGCTGGGCGTCCCACTGGCCCTGCTCT[G>A]GGGCTTCCTGTTCGCCTGCATCTCCTTCTGCCACATCTGGGCGGTGGTGCCATGCATTAA-3'

ClinVar aggregate classification (germline): Pathogenic (1 of 4 stars; one submission).

Conditions:
Long QT syndrome (LQTS). Identifiers: MedGen C0023976, MeSH D008133, MONDO:0002442. Disease mechanism: loss of function. Inheritance: Various modes of inheritance.

Submission:

Labcorp Genetics (formerly Invitae), Labcorp
Classification: Pathogenic for Long QT syndrome. Last evaluated: 2023-06-15. Review status: criteria provided, single submitter. Criteria: Invitae Variant Classification Sherloc (09022015). Collection method: clinical testing. Allele origin: germline.
Comment: This variant has not been reported in the literature in individuals affected with CAV3-related conditions. This variant disrupts a region of the CAV3 protein in which other variant(s) (p.Ala93Thr) have been determined to be pathogenic (PMID: 12666119, 15668980, 19697367, 27184587; Invitae). This suggests that this is a clinically significant region of the protein, and that variants that disrupt it are likely to be disease-causing. For these reasons, this variant has been classified as Pathogenic. This variant is not present in population databases (gnomAD no frequency). This sequence change creates a premature translational stop signal (p.Trp88*) in the CAV3 gene. While this is not anticipated to result in nonsense mediated decay, it is expected to disrupt the last 64 amino acid(s) of the CAV3 protein.

Literature cited by the submitters: PubMed 12666119; PubMed 15668980; PubMed 19697367; PubMed 27184587.